The following is an entry in ClinVar:

ClinVar aggregate classification (germline): Likely benign (1 of 4 stars; one submission).

Allele frequency attached by ClinVar (database versions not stated): ExAC 0.00001; gnomAD exomes 0.00001; TOPMed 0.00001.
gnomAD v4.1: 21 of 1,614,228 alleles (0.0013%); highest among the groups gnomAD compares: Non-Finnish European, 0.00093%; no homozygotes.

Submission:

CeGaT Center for Human Genetics Tuebingen
Classification: Likely benign. Last evaluated: 2024-03-01. Review status: criteria provided, single submitter. Criteria: CeGaT Center For Human Genetics Tuebingen Variant Classification Criteria Version 2. Collection method: clinical testing. Allele origin: germline. Affected: yes. Observed: 1 variant allele.
Comment: SUMO4: BP4, BP7

NM_001002255.2(SUMO4):c.168G>A (p.Lys56=)

Genes: SUMO4 (small ubiquitin like modifier 4; plus strand), TAB2 (TGF-beta activated kinase 1 (MAP3K7) binding protein 2; plus strand). Cytogenetic location: 6q25.1.
Variant type: single nucleotide variant.
Coding change: c.168G>A on transcript NM_001002255.2 (MANE Select); coding-DNA position 168, G replaced by A.
Protein change: p.Lys56=; no amino-acid change (lysine 56 retained).
Molecular consequence: synonymous variant. On other transcripts: intron variant (4).
Genome position (GRCh38, 1-based): chr6:149,400,559, G>A. VCF-style: chr6-149400559-G-A. GRCh37 (hg19) VCF-style: chr6-149721695-G-A.
Other names: c.1843+1375G>A (NM_001292035.3); c.1939+1375G>A (NM_001369506.1, NM_001292034.3, NM_015093.6).
Identifiers: ClinVar variation 3067497 (VCV003067497.21), dbSNP rs777570170, ClinGen allele CA4041728.
Genomic context (GRCh38, chr6:149,400,559, plus strand): 5'-GCAGACACCACTTAGTAAACTAATGAAAGCCTATTGTGAACCACGGGGATTGTCAGTGAA[G>A]CAGATCAGATTCCGATTTGGTGGGCAACCAATCAGTGGAACAGACAAACCTGCACAGTTG-3'
Protein context (NP_001002255.1, residues 46-66): AYCEPRGLSV[Lys56=]QIRFRFGGQP